The following is an entry in ClinVar:

NM_001556.3(IKBKB):c.382G>A (p.Asp128Asn)

Genes: IKBKB (inhibitor of nuclear factor kappa B kinase subunit beta; plus strand), LOC126860373 (CDK7 strongly-dependent group 2 enhancer GRCh37_chr8:42150166-42151365; plus strand). Cytogenetic location: 8p11.21.
Variant type: single nucleotide variant.
Coding change: c.382G>A on transcript NM_001556.3 (MANE Select); coding-DNA position 382, G replaced by A.
Protein change: p.Asp128Asn; replaces aspartic acid 128 with asparagine.
Molecular consequence: missense variant. On other transcripts: non-coding transcript variant (3).
Genome position (GRCh38, 1-based): chr8:42,293,506, G>A. VCF-style: chr8-42293506-G-A. GRCh37 (hg19) VCF-style: chr8-42151024-G-A.
Other names: c.190G>A, p.Asp64Asn (NM_001190720.3); c.205G>A, p.Asp69Asn (NM_001242778.2); short protein forms D69N, D128N, D64N.
Identifiers: ClinVar variation 2789892 (VCV002789892.3), dbSNP rs1813080383, ClinGen allele CA371093650.

ClinVar aggregate classification (germline): Uncertain significance (1 of 4 stars; one submission).

Conditions:
Severe combined immunodeficiency due to IKK2 deficiency. Also called: Immunodeficiency 15; IMMUNODEFICIENCY 15B. Identifiers: Orphanet 397787, MedGen C4747743, MONDO:0014267, OMIM 615592.

Allele frequency attached by ClinVar (database versions not stated): gnomAD 0.00001.
gnomAD v4.1: 1 of 1,614,080 alleles (0.000062%); highest among the groups gnomAD compares: Admixed American, 0.0017%; no homozygotes.

Submission:

Labcorp Genetics (formerly Invitae), Labcorp
Classification: Uncertain significance for Severe combined immunodeficiency due to IKK2 deficiency. Last evaluated: 2024-04-10. Review status: criteria provided, single submitter. Criteria: Invitae Variant Classification Sherloc (09022015). Collection method: clinical testing. Allele origin: germline.
Comment: This sequence change replaces aspartic acid, which is acidic and polar, with asparagine, which is neutral and polar, at codon 128 of the IKBKB protein (p.Asp128Asn). This variant is not present in population databases (gnomAD no frequency). This variant has not been reported in the literature in individuals affected with IKBKB-related conditions. Advanced modeling of protein sequence and biophysical properties (such as structural, functional, and spatial information, amino acid conservation, physicochemical variation, residue mobility, and thermodynamic stability) performed at Invitae indicates that this missense variant is not expected to disrupt IKBKB protein function with a negative predictive value of 95%. In summary, the available evidence is currently insufficient to determine the role of this variant in disease. Therefore, it has been classified as a Variant of Uncertain Significance.